The following is an entry in ClinVar:

NM_000038.6(APC):c.672C>T (p.Ile224=)

Gene: APC (APC regulator of Wnt signaling pathway; plus strand). Cytogenetic location: 5q22.2.
Variant type: single nucleotide variant.
Coding change: c.672C>T on transcript NM_000038.6 (MANE Select); coding-DNA position 672, C replaced by T.
Protein change: p.Ile224=; no amino-acid change (isoleucine 224 retained).
Molecular consequence: synonymous variant. On other transcripts: 5 prime UTR variant (1), intron variant (2).
Genome position (GRCh38, 1-based): chr5:112,792,472, C>T. VCF-style: chr5-112792472-C-T. GRCh37 (hg19) VCF-style: chr5-112128169-C-T.
Other names: c.672C>T, p.Ile224= (NM_001127510.3, NM_001354895.2, NM_001354896.2 and 1 more transcripts); c.702C>T, p.Ile234= (NM_001354897.2, NM_001354902.2); c.597C>T, p.Ile199= (NM_001354898.2, NM_001354904.2); c.495C>T, p.Ile165= (NM_001354900.2, NM_001354901.2, NM_001354905.2); c.-364C>T (NM_001354906.2); c.676-8807C>T (NM_001127511.3); c.646-8807C>T (NM_001354899.2).
Identifiers: ClinVar variation 387773 (VCV000387773.20), dbSNP rs367816013, ClinGen allele CA045947.

ClinVar aggregate classification (germline): Benign/Likely benign. Review status: criteria provided, multiple submitters, no conflicts (2 of 4 stars). 8 submissions from 8 submitters: Benign (1); Likely benign (7). Last evaluated 2026-01-27.

Conditions:
Hereditary cancer-predisposing syndrome. Also called: Hereditary Cancer Syndrome; Hereditary neoplastic syndrome; Neoplastic Syndromes, Hereditary; Tumor predisposition. Identifiers: Orphanet 140162, MedGen C0027672, MeSH D009386, MONDO:0015356.
Familial adenomatous polyposis 1 (FAP1). Also called: FAMILIAL ADENOMATOUS POLYPOSIS 1, ATTENUATED; POLYPOSIS, ADENOMATOUS INTESTINAL. Identifiers: MedGen C2713442, MONDO:0021056, OMIM 175100. Disease mechanism: loss of function.

Allele frequency attached by ClinVar (database versions not stated): gnomAD 0.00001; gnomAD exomes 0.00001; TOPMed 0.00001; ESP Exome Variant Server 0.00008.
gnomAD v4.1: 16 of 1,610,470 alleles (0.00099%); highest among the groups gnomAD compares: African/African-American, 0.004%; no homozygotes.

Submissions (8):

Labcorp Genetics (formerly Invitae), Labcorp
Classification: Likely benign for Familial adenomatous polyposis 1. Last evaluated: 2026-01-27. Review status: criteria provided, single submitter. Criteria: Invitae Variant Classification Sherloc (09022015). Collection method: clinical testing. Allele origin: germline.

Center for Genomic Medicine, Rigshospitalet, Copenhagen University Hospital
Classification: Likely benign. Last evaluated: 2025-03-04. Review status: criteria provided, single submitter. Criteria: ACMG Guidelines, 2015. Collection method: clinical testing. Allele origin: germline.

Myriad Genetics, Inc.
Classification: Benign for Familial adenomatous polyposis 1. Last evaluated: 2024-02-26. Review status: criteria provided, single submitter. Criteria: Myriad Autosomal Dominant, Autosomal Recessive and X-Linked Classification Criteria (2023). Collection method: clinical testing. Allele origin: unknown.
Comment: This variant is considered benign. This variant is a silent/synonymous amino acid change and it is not expected to impact splicing.

Quest Diagnostics Nichols Institute San Juan Capistrano
Classification: Likely benign. Last evaluated: 2023-05-30. Review status: criteria provided, single submitter. Criteria: Quest Diagnostics criteria. Collection method: clinical testing. Allele origin: unknown.

Sema4
Classification: Likely benign for Hereditary cancer-predisposing syndrome. Last evaluated: 2021-09-14. Review status: criteria provided, single submitter. Criteria: Sema4 Curation Guidelines. Collection method: curation. Allele origin: germline.

Ambry Genetics
Classification: Likely benign for Hereditary cancer-predisposing syndrome. Last evaluated: 2018-09-23. Review status: criteria provided, single submitter. Criteria: Ambry Variant Classification Scheme 2023. Collection method: clinical testing. Allele origin: germline.

Color Diagnostics, LLC DBA Color Health
Classification: Likely benign for Hereditary cancer-predisposing syndrome. Last evaluated: 2017-10-06. Review status: criteria provided, single submitter. Criteria: ACMG Guidelines, 2015. Collection method: clinical testing. Allele origin: germline.

GeneDx
Classification: Likely benign. Last evaluated: 2017-01-16. Review status: criteria provided, single submitter. Criteria: GeneDx Variant Classification (06012015). Collection method: clinical testing. Allele origin: germline. Affected: yes.
Comment: This variant is considered likely benign or benign based on one or more of the following criteria: it is a conservative change, it occurs at a poorly conserved position in the protein, it is predicted to be benign by multiple in silico algorithms, and/or has population frequency not consistent with disease.